The following is an entry in ClinVar:

ClinVar aggregate classification (germline): Uncertain significance (1 of 4 stars; one submission).

Conditions:
Congenital myasthenic syndrome 17. Identifiers: Orphanet 590, MedGen C4225377, MONDO:0014578, OMIM 616304.
Sclerosteosis 2 (SOST2). Identifiers: Orphanet 3152, MedGen C3280402, MONDO:0013679, OMIM 614305.
Cenani-Lenz syndactyly syndrome. Also called: CENANI SYNDACTYLISM; SYNDACTYLY, TYPE VII. Identifiers: Orphanet 3258, MedGen C1859309, MONDO:0008931, OMIM 212780.

Allele frequency attached by ClinVar (database versions not stated): gnomAD exomes below 0.00001 and 0.00001; ExAC 0.00001; gnomAD 0.00001; TOPMed 0.00001.
gnomAD v4.1: 5 of 1,614,050 alleles (0.00031%); highest among the groups gnomAD compares: Admixed American, 0.0017%; no homozygotes.

Submission:

Labcorp Genetics (formerly Invitae), Labcorp
Classification: Uncertain significance for Cenani-Lenz syndactyly syndrome; Sclerosteosis 2; Congenital myasthenic syndrome 17. Last evaluated: 2022-03-09. Review status: criteria provided, single submitter. Criteria: Invitae Variant Classification Sherloc (09022015). Collection method: clinical testing. Allele origin: germline.
Comment: This sequence change replaces methionine, which is neutral and non-polar, with threonine, which is neutral and polar, at codon 269 of the LRP4 protein (p.Met269Thr). This variant is present in population databases (rs776417067, gnomAD 0.0009%). This variant has not been reported in the literature in individuals affected with LRP4-related conditions. ClinVar contains an entry for this variant (Variation ID: 943835). Algorithms developed to predict the effect of missense changes on protein structure and function are either unavailable or do not agree on the potential impact of this missense change (SIFT: "Deleterious"; PolyPhen-2: "Benign"; Align-GVGD: "Class C0"). In summary, the available evidence is currently insufficient to determine the role of this variant in disease. Therefore, it has been classified as a Variant of Uncertain Significance.

NM_002334.4(LRP4):c.806T>C (p.Met269Thr)

Gene: LRP4 (LDL receptor related protein 4; minus strand). Cytogenetic location: 11p11.2.
Variant type: single nucleotide variant.
Coding change: c.806T>C on transcript NM_002334.4 (MANE Select); coding-DNA position 806, T replaced by C.
Protein change: p.Met269Thr; replaces methionine 269 with threonine.
Molecular consequence: missense variant.
Genome position (GRCh38, 1-based): chr11:46,896,985, A>G on the plus strand (T>C on the coding strand, the complement: LRP4 is on the minus strand). VCF-style: chr11-46896985-A-G. GRCh37 (hg19) VCF-style: chr11-46918536-A-G.
Other names: short protein forms M269T.
Identifiers: ClinVar variation 943835 (VCV000943835.8), dbSNP rs776417067, ClinGen allele CA5970361.